The following is an entry in ClinVar:

ClinVar aggregate classification (germline): Likely benign. Review status: criteria provided, multiple submitters, no conflicts (2 of 4 stars). 3 submissions from 3 submitters: Likely benign (3). Last evaluated 2026-05-01.

Conditions:
Inborn genetic diseases. Identifiers: MedGen C0950123, MeSH D030342.

Allele frequency attached by ClinVar (database versions not stated): ExAC 0.00030; gnomAD 0.00032 and 0.00034; gnomAD exomes 0.00034; TOPMed 0.00035; ESP Exome Variant Server 0.00065.
gnomAD v4.1: 1,248 of 1,614,080 alleles (0.077%); highest among the groups gnomAD compares: Non-Finnish European, 0.1%; 1 homozygote.

Submissions (3):

CeGaT Center for Human Genetics Tuebingen
Classification: Likely benign. Last evaluated: 2026-05-01. Review status: criteria provided, single submitter. Criteria: CeGaT Center For Human Genetics Tuebingen Variant Classification Criteria Version 2. Collection method: clinical testing. Allele origin: germline. Affected: yes. Observed: 2 variant alleles.
Comment: HIVEP2: BS1

Labcorp Genetics (formerly Invitae), Labcorp
Classification: Likely benign. Last evaluated: 2026-01-03. Review status: criteria provided, single submitter. Criteria: Invitae Variant Classification Sherloc (09022015). Collection method: clinical testing. Allele origin: germline.

Ambry Genetics
Classification: Likely benign for Inborn genetic diseases. Last evaluated: 2021-09-22. Review status: criteria provided, single submitter. Criteria: Ambry Variant Classification Scheme 2023. Collection method: clinical testing. Allele origin: germline.

NM_006734.4(HIVEP2):c.404C>G (p.Ser135Cys)

Gene: HIVEP2 (HIVEP zinc finger 2; minus strand). Cytogenetic location: 6q24.2.
Variant type: single nucleotide variant.
Coding change: c.404C>G on transcript NM_006734.4 (MANE Select); coding-DNA position 404, C replaced by G.
Protein change: p.Ser135Cys; replaces serine 135 with cysteine.
Molecular consequence: missense variant.
Genome position (GRCh38, 1-based): chr6:142,774,335, G>C on the plus strand (C>G on the coding strand, the complement: HIVEP2 is on the minus strand). VCF-style: chr6-142774335-G-C. GRCh37 (hg19) VCF-style: chr6-143095472-G-C.
Other names: short protein forms S135C.
Identifiers: ClinVar variation 750131 (VCV000750131.32), dbSNP rs201545164, ClinGen allele CA4028740.